The following is an entry in ClinVar:

NM_000226.4(KRT9):c.488G>T (p.Arg163Leu)

Gene: KRT9 (keratin 9; minus strand). Cytogenetic location: 17q21.2.
Variant type: single nucleotide variant.
Coding change: c.488G>T on transcript NM_000226.4 (MANE Select); coding-DNA position 488, G replaced by T.
Protein change: p.Arg163Leu; replaces arginine 163 with leucine.
Molecular consequence: missense variant.
Genome position (GRCh38, 1-based): chr17:41,571,505, C>A on the plus strand (G>T on the coding strand, the complement: KRT9 is on the minus strand). VCF-style: chr17-41571505-C-A. GRCh37 (hg19) VCF-style: chr17-39727757-C-A.
Other names: short protein forms R163L.
Identifiers: ClinVar variation 3237488 (VCV003237488.3), dbSNP rs57758262.

ClinVar aggregate classification (germline): Pathogenic/Likely pathogenic. Review status: criteria provided, multiple submitters, no conflicts (2 of 4 stars). 2 submissions from 2 submitters: Pathogenic (1); Likely pathogenic (1). Last evaluated 2024-06-12.

Conditions:
Epidermolytic palmoplantar keratoderma, 1 (EPPK1). Also called: TYLOSIS; PALMOPLANTAR KERATODERMA, EPIDERMOLYTIC, WITH KNUCKLE PADS. Identifiers: Orphanet 2199, MedGen CN377798, MONDO:0007758, OMIM 144200.

Submissions (2):

Labcorp Genetics (formerly Invitae), Labcorp
Classification: Pathogenic. Last evaluated: 2024-06-12. Review status: criteria provided, single submitter. Criteria: Invitae Variant Classification Sherloc (09022015). Collection method: clinical testing. Allele origin: germline.
Comment: This sequence change replaces arginine, which is basic and polar, with leucine, which is neutral and non-polar, at codon 163 of the KRT9 protein (p.Arg163Leu). This variant is not present in population databases (gnomAD no frequency). This missense change has been observed in individual(s) with epidermolytic palmoplantar keratoderma (PMID: 27726289). It has also been observed to segregate with disease in related individuals. Advanced modeling of protein sequence and biophysical properties (such as structural, functional, and spatial information, amino acid conservation, physicochemical variation, residue mobility, and thermodynamic stability) performed at Invitae indicates that this missense variant is expected to disrupt KRT9 protein function with a positive predictive value of 80%. This variant disrupts the p.Arg163 amino acid residue in KRT9. Other variant(s) that disrupt this residue have been determined to be pathogenic (PMID: 22262370). This suggests that this residue is clinically significant, and that variants that disrupt this residue are likely to be disease-causing. For these reasons, this variant has been classified as Pathogenic.

Baylor Genetics
Classification: Likely pathogenic for Epidermolytic palmoplantar keratoderma, 1. Last evaluated: 2024-01-16. Review status: criteria provided, single submitter. Criteria: ACMG Guidelines, 2015. Collection method: clinical testing. Allele origin: unknown.

Literature cited by the submitters: PubMed 27726289 (cited by Labcorp Genetics (formerly Invitae), Labcorp); PubMed 22262370 (cited by Labcorp Genetics (formerly Invitae), Labcorp).